The following is an entry in ClinVar:

ClinVar aggregate classification (germline): Uncertain significance (1 of 4 stars; one submission).

Submission:

Ambry Genetics
Classification: Uncertain significance. Last evaluated: 2021-09-02. Review status: criteria provided, single submitter. Criteria: Ambry Variant Classification Scheme 2023. Collection method: clinical testing. Allele origin: germline.
Comment: The p.H243Q variant (also known as c.729C>A), located in coding exon 5 of the BUB3 gene, results from a C to A substitution at nucleotide position 729. The histidine at codon 243 is replaced by glutamine, an amino acid with highly similar properties. This amino acid position is conserved. In addition, this alteration is predicted to be deleterious by in silico analysis. Since supporting evidence is limited at this time, the clinical significance of this alteration remains unclear.

NM_004725.4(BUB3):c.729C>A (p.His243Gln)

Gene: BUB3 (BUB3 mitotic checkpoint protein; plus strand). Cytogenetic location: 10q26.13.
Variant type: single nucleotide variant.
Coding change: c.729C>A on transcript NM_004725.4 (MANE Select); coding-DNA position 729, C replaced by A.
Protein change: p.His243Gln; replaces histidine 243 with glutamine.
Molecular consequence: missense variant.
Genome position (GRCh38, 1-based): chr10:123,162,388, C>A. VCF-style: chr10-123162388-C-A. GRCh37 (hg19) VCF-style: chr10-124921904-C-A.
Other names: c.729C>A, p.His243Gln (NM_001007793.3); short protein forms H243Q.
Identifiers: ClinVar variation 1758140 (VCV001758140.2), dbSNP rs2493766206, ClinGen allele CA378626769.